The following is an entry in ClinVar:

NM_000211.5(ITGB2):c.31C>T (p.Leu11=)

Gene: ITGB2 (integrin subunit beta 2; minus strand). Cytogenetic location: 21q22.3.
Variant type: single nucleotide variant.
Coding change: c.31C>T on transcript NM_000211.5 (MANE Select); coding-DNA position 31, C replaced by T.
Protein change: p.Leu11=; no amino-acid change (leucine 11 retained).
Molecular consequence: synonymous variant. On other transcripts: 5 prime UTR variant (1).
Genome position (GRCh38, 1-based): chr21:44,910,752, G>A on the plus strand (C>T on the coding strand, the complement: ITGB2 is on the minus strand). VCF-style: chr21-44910752-G-A. GRCh37 (hg19) VCF-style: chr21-46330667-G-A.
Other names: p.Leu11=; c.31C>T, p.Leu11= (NM_001127491.3); c.-220C>T (NM_001303238.2).
Identifiers: ClinVar variation 340183 (VCV000340183.20), dbSNP rs5030667, ClinGen allele CA10063487.

ClinVar aggregate classification (germline): Benign. Review status: criteria provided, multiple submitters, no conflicts (2 of 4 stars). 6 submissions from 6 submitters: Benign (6). Last evaluated 2026-02-02.

Conditions:
Leukocyte adhesion deficiency 1 (LAD1). Also called: LEUKOCYTE ADHESION DEFICIENCY, TYPE I; LAD 1; Lymphocyte function-associated antigen 1 immunodeficiency; LFA 1 immunodeficiency. Identifiers: Orphanet 2968, Orphanet 99842, MedGen C0398738, MONDO:0007293, OMIM 116920.

Allele frequency attached by ClinVar (database versions not stated): 1000 Genomes Project 0.01418; 1000 Genomes Project 30x 0.01452; gnomAD 0.01923 and 0.01960; gnomAD exomes 0.02016 and 0.02355; TOPMed 0.02017; ExAC 0.02067; ESP Exome Variant Server 0.02491.
gnomAD v4.1: 37,467 of 1,614,022 alleles (2.3%); highest among the groups gnomAD compares: Middle Eastern, 11%; 563 homozygotes.

Submissions (6):

Labcorp Genetics (formerly Invitae), Labcorp
Classification: Benign for Leukocyte adhesion deficiency 1. Last evaluated: 2026-02-02. Review status: criteria provided, single submitter. Criteria: Invitae Variant Classification Sherloc (09022015). Collection method: clinical testing. Allele origin: germline.

Women's Health and Genetics/Laboratory Corporation of America, LabCorp
Classification: Benign. Last evaluated: 2026-01-21. Review status: criteria provided, single submitter. Criteria: LabCorp Variant Classification Summary - May 2015. Collection method: clinical testing. Allele origin: germline.

Mayo Clinic Laboratories, Mayo Clinic
Classification: Benign. Last evaluated: 2023-11-17. Review status: criteria provided, single submitter. Criteria: ACMG Guidelines, 2015. Collection method: clinical testing. Allele origin: germline. Observed: 36 variant alleles.
Comment: BS1, BS2, BP4, BP7

Illumina Laboratory Services, Illumina
Classification: Benign for Leukocyte adhesion deficiency 1. Last evaluated: 2018-01-12. Review status: criteria provided, single submitter. Criteria: ICSL Variant Classification Criteria 13 December 2019. Collection method: clinical testing. Allele origin: germline.
Comment: This variant was observed in the ICSL laboratory as part of a predisposition screen in an ostensibly healthy population. It had not been previously curated by ICSL or reported in the Human Gene Mutation Database (HGMD: prior to June 1st, 2018), and was therefore a candidate for classification through an automated scoring system. Utilizing variant allele frequency, disease prevalence and penetrance estimates, and inheritance mode, an automated score was calculated to assess if this variant is too frequent to cause the disease. Based on the score and internal cut-off values, a variant classified as benign is not then subjected to further curation. The score for this variant resulted in a classification of benign for this disease.

Laboratory for Molecular Medicine, Mass General Brigham Personalized Medicine
Classification: Benign. Last evaluated: 2016-03-28. Review status: criteria provided, single submitter. Criteria: LMM Criteria. Collection method: clinical testing. Allele origin: germline.
Comment: Variant identified in a genome or exome case(s) and assessed due to predicted null impact of the variant or pathogenic assertions in the literature or databases. Disclaimer: This variant has not undergone full assessment. The following are preliminary notes: MAF

Breakthrough Genomics
Classification: Benign. Review status: criteria provided, single submitter. Criteria: ACMG Guidelines, 2015. Collection method: not provided. Allele origin: germline. Inheritance: Autosomal recessive inheritance. Affected: yes.